The following is an entry in ClinVar:

NM_001080421.3(UNC13A):c.559+1G>T

Gene: UNC13A (unc-13 homolog A; minus strand). Cytogenetic location: 19p13.11.
Variant type: single nucleotide variant.
Coding change: c.559+1G>T on transcript NM_001080421.3 (MANE Select); the canonical splice donor site of the intron after coding-DNA position 559, G replaced by T.
Molecular consequence: splice donor variant.
Genome position (GRCh38, 1-based): chr19:17,663,531, C>A on the plus strand (G>T on the coding strand, the complement: UNC13A is on the minus strand). VCF-style: chr19-17663531-C-A. GRCh37 (hg19) VCF-style: chr19-17774340-C-A.
Other names: c.559+1G>T (NM_001387022.1, NM_001387023.1, NM_001387021.1).
Identifiers: ClinVar variation 4812914 (VCV004812914.1).

ClinVar aggregate classification (germline): Uncertain significance (1 of 4 stars; one submission).

Submission:

GeneDx
Classification: Uncertain significance. Last evaluated: 2025-08-29. Review status: criteria provided, single submitter. Criteria: GeneDx Variant Classification Process June 2021. Collection method: clinical testing. Allele origin: germline. Affected: yes.
Comment: Canonical splice site variant with an unclear effect on protein function; Not observed at significant frequency in large population cohorts (gnomAD); Has not been previously published as pathogenic or benign to our knowledge